The following is an entry in ClinVar:

NM_001267550.2(TTN):c.61922G>A (p.Arg20641Gln)

Genes: TTN (titin; minus strand), TTN-AS1 (TTN antisense RNA 1; plus strand). Cytogenetic location: 2q31.2.
Variant type: single nucleotide variant.
Coding change: c.61922G>A on transcript NM_001267550.2 (MANE Select); coding-DNA position 61922, G replaced by A.
Protein change: p.Arg20641Gln; replaces arginine 20641 with glutamine.
Molecular consequence: missense variant.
Genome position (GRCh38, 1-based): chr2:178,589,803, C>T on the plus strand (G>A on the coding strand, the complement: TTN is on the minus strand). VCF-style: chr2-178589803-C-T. GRCh37 (hg19) VCF-style: chr2-179454530-C-T.
Other names: p.R19000Q:CGA>CAA; c.56999G>A, p.Arg19000Gln (NM_001256850.1); c.34727G>A, p.Arg11576Gln (NM_003319.4); c.54218G>A, p.Arg18073Gln (NM_133378.4); c.35102G>A, p.Arg11701Gln (NM_133432.3); c.35303G>A, p.Arg11768Gln (NM_133437.4); short protein forms R20641Q, R18073Q, R19000Q, R11576Q, R11701Q, R11768Q.
Identifiers: ClinVar variation 47177 (VCV000047177.88), dbSNP rs199895260, ClinGen allele CA140235.
Genomic context (GRCh38, chr2:178,589,803, plus strand): 5'-AGAATGGGAGTTTTTGTTTCGATGGTTGGCCCAACACCTACTTTATTCTCTGCACAAACT[C>T]GGAAATAGTATTCATTGTTGGCTAAAAGGTTGGCCTTGATTAATCGTTTAGTGACATCTG-3'
Protein context (NP_001254479.2, residues 20631-20651): NLLANNEYYF[Arg20641Gln]VCAENKVGVG

ClinVar aggregate classification (germline): Conflicting classifications of pathogenicity. Review status: criteria provided, conflicting classifications (1 of 4 stars). 28 submissions from 24 submitters: Uncertain significance (3); Benign (5); Likely benign (12). 8 of the submissions do not count toward it. Last evaluated 2026-08-01.

Conditions:
Hypertrophic cardiomyopathy. Also called: HYPERTROPHIC MYOCARDIOPATHY. Identifiers: Orphanet 217569, MedGen C0007194, MeSH D002312, MONDO:0005045, HP:0001639.
Cardiomyopathy (CMYO). Also called: Cardiomyopathies. Identifiers: Orphanet 167848, MedGen C0878544, MONDO:0004994, HP:0001638. Inheritance: Various modes of inheritance.
TTN-related disorder. Also called: TTN-related disorders; TTN-related condition; TTN-related disease.
Cardiovascular phenotype. Identifiers: MedGen CN230736.
Autosomal recessive limb-girdle muscular dystrophy type 2J (LGMDR10). Also called: MUSCULAR DYSTROPHY, LIMB-GIRDLE, AUTOSOMAL RECESSIVE 10; Limb-girdle muscular dystrophy, type 2J. Identifiers: Orphanet 140922, MedGen C1837342, MONDO:0012127, OMIM 608807.
Dilated cardiomyopathy 1G (CMD1G). Identifiers: Orphanet 154, MedGen C1858763, MONDO:0011400, OMIM 604145.
Early-onset myopathy with fatal cardiomyopathy (CMYO5). Also called: CONGENITAL MYOPATHY 5 WITH CARDIOMYOPATHY; Salih Myopathy. Identifiers: Orphanet 289377, MedGen C2673677, MONDO:0012714, OMIM 611705. Disease mechanism: loss of function.
Myopathy, myofibrillar, 9, with early respiratory failure (MFM9). Also called: Myopathy, distal, with early respiratory failure, autosomal dominant; Hereditary myopathy with early respiratory failure; EDSTROM MYOPATHY; MYOPATHY, PROXIMAL, WITH EARLY RESPIRATORY MUSCLE INVOLVEMENT. Identifiers: Orphanet 178464, Orphanet 34521, MedGen C1863599, MONDO:0011362, OMIM 603689.
Tibial muscular dystrophy (TMD). Also called: Tibial muscular dystrophy, tardive; Udd Distal Myopathy – Tibial Muscular Dystrophy; UDD MYOPATHY. Identifiers: Orphanet 609, MedGen C1838244, MONDO:0010870, OMIM 600334.
Tip-toe gait. Also called: Toe walking. Identifiers: MedGen C0427144, HP:0030051.

Allele frequency attached by ClinVar (database versions not stated): ExAC 0.00272; gnomAD exomes 0.00279 and 0.00281; 1000 Genomes Project 30x 0.00094; 1000 Genomes Project 0.00100; TOPMed 0.00212; ESP Exome Variant Server 0.00310; gnomAD 0.00240 and 0.00243.
gnomAD v4.1: 4,465 of 1,613,528 alleles (0.28%); highest among the groups gnomAD compares: Middle Eastern, 0.35%; 7 homozygotes.

Submissions 1 to 20 of 29:

CeGaT Center for Human Genetics Tuebingen
Classification: Likely benign. Last evaluated: 2026-08-01. Review status: criteria provided, single submitter. Criteria: CeGaT Center For Human Genetics Tuebingen Variant Classification Criteria Version 2. Collection method: clinical testing. Allele origin: germline. Affected: yes. Observed: 29 variant alleles.
Comment: TTN: BS1

Labcorp Genetics (formerly Invitae), Labcorp
Classification: Benign for Dilated cardiomyopathy 1G; Autosomal recessive limb-girdle muscular dystrophy type 2J. Last evaluated: 2026-02-04. Review status: criteria provided, single submitter. Criteria: Invitae Variant Classification Sherloc (09022015). Collection method: clinical testing. Allele origin: germline.

Mayo Clinic Laboratories, Mayo Clinic
Classification: Likely benign. Last evaluated: 2025-12-05. Review status: criteria provided, single submitter. Criteria: ACMG Guidelines, 2015. Collection method: clinical testing. Allele origin: germline. Observed: 12 variant alleles.
Comment: BS1, BS2

Athena Diagnostics
Classification: Benign. Last evaluated: 2025-10-08. Review status: criteria provided, single submitter. Criteria: Athena Diagnostics Criteria. Collection method: clinical testing. Allele origin: unknown.
Comment: The frequency of this variant in the general population is higher than would generally be expected for pathogenic variants in this gene.

Molecular Diagnostic Laboratory for Inherited Cardiovascular Disease, Montreal Heart Institute
Classification: Likely benign. Last evaluated: 2025-04-09. Review status: criteria provided, single submitter. Criteria: ACMG Guidelines, 2015. Collection method: clinical testing. Allele origin: germline. Affected: no.

Blueprint Genetics
Classification: Likely benign. Last evaluated: 2024-11-26. Review status: criteria provided, single submitter. Criteria: ACMG Guidelines, 2015. Collection method: clinical testing. Allele origin: germline.

Women's Health and Genetics/Laboratory Corporation of America, LabCorp
Classification: Likely benign. Last evaluated: 2023-05-22. Review status: criteria provided, single submitter. Criteria: LabCorp Variant Classification Summary - May 2015. Collection method: clinical testing. Allele origin: germline.

ARUP Laboratories, Molecular Genetics and Genomics, ARUP Laboratories
Classification: Likely benign. Last evaluated: 2021-08-15. Review status: criteria provided, single submitter. Criteria: ARUP Molecular Germline Variant Investigation Process 2021. Collection method: clinical testing. Allele origin: germline.

GeneDx
Classification: Likely benign. Last evaluated: 2021-06-22. Review status: criteria provided, single submitter. Criteria: GeneDx Variant Classification Process June 2021. Collection method: clinical testing. Allele origin: germline. Affected: yes.
Comment: This variant is associated with the following publications: (PMID: 25163546, 23396983, 17344846)

CHEO Genetics Diagnostic Laboratory, Children's Hospital of Eastern Ontario
Classification: Benign for Cardiomyopathy. Last evaluated: 2020-02-27. Review status: criteria provided, single submitter. Criteria: ACMG Guidelines, 2015. Collection method: clinical testing. Allele origin: germline. Study: Canadian Open Genetics Repository.

Ambry Genetics
Classification: Likely benign for Cardiovascular phenotype. Last evaluated: 2018-08-26. Review status: criteria provided, single submitter. Criteria: Ambry Variant Classification Scheme 2023. Collection method: clinical testing. Allele origin: germline.

Illumina Laboratory Services, Illumina
Classification: Benign for Myopathy, myofibrillar, 9, with early respiratory failure. Last evaluated: 2018-01-13. Review status: criteria provided, single submitter. Criteria: ICSL Variant Classification Criteria 13 December 2019. Collection method: clinical testing. Allele origin: germline.
Comment: This variant was observed in the ICSL laboratory as part of a predisposition screen in an ostensibly healthy population. It had not been previously curated by ICSL or reported in the Human Gene Mutation Database (HGMD: prior to June 1st, 2018), and was therefore a candidate for classification through an automated scoring system. Utilizing variant allele frequency, disease prevalence and penetrance estimates, and inheritance mode, an automated score was calculated to assess if this variant is too frequent to cause the disease. Based on the score and internal cut-off values, a variant classified as benign is not then subjected to further curation. The score for this variant resulted in a classification of benign for this disease.

Illumina Laboratory Services, Illumina
Classification: Uncertain significance for Dilated cardiomyopathy 1G. Last evaluated: 2018-01-13. Review status: criteria provided, single submitter. Criteria: ICSL Variant Classification Criteria 13 December 2019. Collection method: clinical testing. Allele origin: germline.

Illumina Laboratory Services, Illumina
Classification: Benign for Tibial muscular dystrophy. Last evaluated: 2018-01-13. Review status: criteria provided, single submitter. Criteria: ICSL Variant Classification Criteria 13 December 2019. Collection method: clinical testing. Allele origin: germline.
Comment: the same text as in the submission from Illumina Laboratory Services, Illumina above.

Illumina Laboratory Services, Illumina
Classification: Uncertain significance for Autosomal recessive limb-girdle muscular dystrophy type 2J. Last evaluated: 2018-01-13. Review status: criteria provided, single submitter. Criteria: ICSL Variant Classification Criteria 13 December 2019. Collection method: clinical testing. Allele origin: germline.

Illumina Laboratory Services, Illumina
Classification: Uncertain significance for Early-onset myopathy with fatal cardiomyopathy. Last evaluated: 2018-01-13. Review status: criteria provided, single submitter. Criteria: ICSL Variant Classification Criteria 13 December 2019. Collection method: clinical testing. Allele origin: germline.

Center for Advanced Laboratory Medicine, UC San Diego Health, University of California San Diego
Classification: Likely benign for Hypertrophic cardiomyopathy; Cardiomyopathy. Last evaluated: 2017-03-27. Review status: criteria provided, single submitter. Criteria: ACMG Guidelines, 2015. Collection method: clinical testing. Allele origin: germline. Affected: yes. Observed: 2 variant alleles.

Laboratory for Molecular Medicine, Mass General Brigham Personalized Medicine
Classification: Likely benign. Last evaluated: 2016-01-13. Review status: criteria provided, single submitter. Criteria: LMM Criteria. Collection method: clinical testing. Allele origin: germline. Observed: 5 variant alleles.
Comment: p.Arg18073Gln in exon 253 of TTN: This variant is not expected to have clinical significance because it is not located within the splice consensus sequence and has been identified in 0.4% (280/66722) of European chromosomes by the Exome Agg regation Consortium (ExAC; dbSNP rs199895260).

Eurofins Ntd Llc (ga)
Classification: Likely benign. Last evaluated: 2015-08-06. Review status: criteria provided, single submitter. Criteria: EGL Classification Definitions 2015. Collection method: clinical testing. Allele origin: germline. Observed: 1 variant allele, 1 heterozygote.

Biesecker Lab/Clinical Genomics Section, National Institutes of Health
Classification: Likely benign. Last evaluated: 2013-06-24. Review status: criteria provided, single submitter. Criteria: Ng et al. (Circ Cardiovasc Genet. 2013). Collection method: research. Allele origin: unknown. Observed: 5 variant alleles. Study: ClinSeq.
Comment: The study set was not selected for affection status in relation to any cancer. Pathogenicity categories were based on literature curation. See Pubmed ID:23861362 for details.

Medical sequencing